The following is an entry in ClinVar:

ClinVar aggregate classification (germline): Benign. Review status: criteria provided, multiple submitters, no conflicts (2 of 4 stars). 2 submissions from 2 submitters: Benign (2). Last evaluated 2018-01-13.

Conditions:
Autosomal dominant cerebellar ataxia. Also called: Spinocerebellar Ataxia, Dominant. Identifiers: Orphanet 99, MedGen C4087347, MONDO:0020380.

Allele frequency attached by ClinVar (database versions not stated): 1000 Genomes Project 0.26877; 1000 Genomes Project 30x 0.27764; gnomAD exomes 0.20000; TOPMed 0.34779.

Submissions (2):

Illumina Laboratory Services, Illumina
Classification: Benign for Spinocerebellar Ataxia, Dominant. Last evaluated: 2018-01-13. Review status: criteria provided, single submitter. Criteria: ICSL Variant Classification Criteria 13 December 2019. Collection method: clinical testing. Allele origin: germline.
Comment: This variant was observed in the ICSL laboratory as part of a predisposition screen in an ostensibly healthy population. It had not been previously curated by ICSL or reported in the Human Gene Mutation Database (HGMD: prior to June 1st, 2018), and was therefore a candidate for classification through an automated scoring system. Utilizing variant allele frequency, disease prevalence and penetrance estimates, and inheritance mode, an automated score was calculated to assess if this variant is too frequent to cause the disease. Based on the score and internal cut-off values, a variant classified as benign is not then subjected to further curation. The score for this variant resulted in a classification of benign for this disease.

Breakthrough Genomics
Classification: Benign. Review status: criteria provided, single submitter. Criteria: ACMG Guidelines, 2015. Collection method: not provided. Allele origin: germline. Inheritance: Autosomal dominant inheritance. Affected: yes.

NM_002222.5(ITPR1):c.*1531G>T

Gene: ITPR1 (inositol 1,4,5-trisphosphate receptor type 1; plus strand). Cytogenetic location: 3p26.1.
Variant type: single nucleotide variant.
Coding change: c.*1531G>T on transcript NM_002222.5; 1531 bases downstream of the stop codon, G replaced by T.
Genome position (GRCh38, 1-based): chr3:4,847,756, G>T. VCF-style: chr3-4847756-G-T. GRCh37 (hg19) VCF-style: chr3-4889440-G-T.
Identifiers: ClinVar variation 345929 (VCV000345929.8), dbSNP rs9817206, ClinGen allele CA10618947.